The following is an entry in ClinVar:

NM_213655.5(WNK1):c.2932A>C (p.Thr978Pro)

Gene: WNK1 (WNK lysine deficient protein kinase 1; plus strand). Cytogenetic location: 12p13.33.
Variant type: single nucleotide variant.
Coding change: c.2932A>C on transcript NM_213655.5 (MANE Plus Clinical); coding-DNA position 2932, A replaced by C.
Protein change: p.Thr978Pro; replaces threonine 978 with proline.
Molecular consequence: missense variant. On other transcripts: intron variant (2).
Genome position (GRCh38, 1-based): chr12:868,403, A>C. VCF-style: chr12-868403-A-C. GRCh37 (hg19) VCF-style: chr12-977569-A-C.
Other names: c.2677A>C, p.Thr893Pro (NM_001184985.2); c.2140-2862A>C (NM_018979.4, NM_014823.3); short protein forms T893P, T978P.
Identifiers: ClinVar variation 1443940 (VCV001443940.6), dbSNP rs757242894, ClinGen allele CA383339921.

ClinVar aggregate classification (germline): Uncertain significance (1 of 4 stars; one submission).

Conditions:
Neuropathy, hereditary sensory and autonomic, type 2A (HSAN2A). Also called: ACROOSTEOLYSIS, GIACCAI TYPE; ACROOSTEOLYSIS, NEUROGENIC; MORVAN DISEASE; NEUROPATHY, CONGENITAL SENSORY; NEUROPATHY, HEREDITARY SENSORY RADICULAR, AUTOSOMAL RECESSIVE; NEUROPATHY, HEREDITARY SENSORY, TYPE IIA. Identifiers: Orphanet 970, MedGen C2752089, MONDO:0024309, OMIM 201300.
Pseudohypoaldosteronism type 2C (PHA2C). Also called: Pseudohypoaldosteronism Type IIC. Identifiers: Orphanet 757, Orphanet 88940, MedGen C1840391, MONDO:0013778, OMIM 614492.

gnomAD v4.1: 2 of 1,613,944 alleles (0.00012%); highest among the groups gnomAD compares: Admixed American, 0.0033%; no homozygotes.

Submission:

Labcorp Genetics (formerly Invitae), Labcorp
Classification: Uncertain significance for Neuropathy, hereditary sensory and autonomic, type 2A; Pseudohypoaldosteronism type 2C. Last evaluated: 2021-12-03. Review status: criteria provided, single submitter. Criteria: Invitae Variant Classification Sherloc (09022015). Collection method: clinical testing. Allele origin: germline.
Comment: In summary, the available evidence is currently insufficient to determine the role of this variant in disease. Therefore, it has been classified as a Variant of Uncertain Significance. This sequence change replaces threonine, which is neutral and polar, with proline, which is neutral and non-polar, at codon 978 of the WNK1 protein (p.Thr978Pro). This variant is present in population databases (no rsID available, gnomAD 0.006%). This variant has not been reported in the literature in individuals affected with WNK1-related conditions. Advanced modeling of protein sequence and biophysical properties (such as structural, functional, and spatial information, amino acid conservation, physicochemical variation, residue mobility, and thermodynamic stability) performed at Invitae indicates that this missense variant is not expected to disrupt WNK1 protein function.